The following is an entry in ClinVar:

ClinVar aggregate classification (germline): Uncertain significance (1 of 4 stars; one submission).

Submission:

Labcorp Genetics (formerly Invitae), Labcorp
Classification: Uncertain significance. Last evaluated: 2024-07-15. Review status: criteria provided, single submitter. Criteria: Invitae Variant Classification Sherloc (09022015). Collection method: clinical testing. Allele origin: germline.
Comment: This sequence change replaces tryptophan, which is neutral and slightly polar, with cysteine, which is neutral and slightly polar, at codon 323 of the TCIRG1 protein (p.Trp323Cys). This variant is not present in population databases (gnomAD no frequency). This variant has not been reported in the literature in individuals affected with TCIRG1-related conditions. Advanced modeling of protein sequence and biophysical properties (such as structural, functional, and spatial information, amino acid conservation, physicochemical variation, residue mobility, and thermodynamic stability) performed at Invitae indicates that this missense variant is expected to disrupt TCIRG1 protein function with a positive predictive value of 80%. In summary, the available evidence is currently insufficient to determine the role of this variant in disease. Therefore, it has been classified as a Variant of Uncertain Significance.

NM_006019.4(TCIRG1):c.969G>T (p.Trp323Cys)

Gene: TCIRG1 (T cell immune regulator 1, ATPase H+ transporting V0 subunit a3; plus strand). Cytogenetic location: 11q13.2.
Variant type: single nucleotide variant.
Coding change: c.969G>T on transcript NM_006019.4 (MANE Select); coding-DNA position 969, G replaced by T.
Protein change: p.Trp323Cys; replaces tryptophan 323 with cysteine.
Molecular consequence: missense variant.
Genome position (GRCh38, 1-based): chr11:68,044,293, G>T. VCF-style: chr11-68044293-G-T. GRCh37 (hg19) VCF-style: chr11-67811760-G-T.
Other names: c.75G>T, p.Trp25Cys (NM_001351059.2); c.321G>T, p.Trp107Cys (NM_006053.4); short protein forms W107C, W323C, W25C.
Identifiers: ClinVar variation 3655295 (VCV003655295.2).
Genomic context (GRCh38, chr11:68,044,293, plus strand): 5'-CCTGGCCCTGAACCAGTGCAGCGTGAGCACCACGCACAAGTGCCTCATTGCCGAGGCCTG[G>T]TGCTCTGTGCGAGACCTGCCCGCCCTGCAGGAGGCCCTGCGGGACAGCTCGGTGAGCAGC-3'
Protein context (NP_006010.2, residues 313-333): TTHKCLIAEA[Trp323Cys]CSVRDLPALQ